The following is an entry in ClinVar:

ClinVar aggregate classification (germline): Uncertain significance (1 of 4 stars; one submission).

Conditions:
Capillary malformation-arteriovenous malformation syndrome. Also called: Capillary malformation-arteriovenous malformation. Identifiers: Orphanet 137667, MedGen C1842180, MONDO:0012016.

Submission:

Labcorp Genetics (formerly Invitae), Labcorp
Classification: Uncertain significance for Capillary malformation-arteriovenous malformation syndrome. Last evaluated: 2025-11-17. Review status: criteria provided, single submitter. Criteria: Invitae Variant Classification Sherloc (09022015). Collection method: clinical testing. Allele origin: germline.
Comment: This sequence change replaces glycine, which is neutral and non-polar, with cysteine, which is neutral and slightly polar, at codon 26 of the RASA1 protein (p.Gly26Cys). This variant is not present in population databases (gnomAD no frequency). This variant has not been reported in the literature in individuals affected with RASA1-related conditions. ClinVar contains an entry for this variant (Variation ID: 3687330). An algorithm developed to predict the effect of missense changes on protein structure and function (PolyPhen-2) suggests that this variant is likely to be disruptive. In summary, the available evidence is currently insufficient to determine the role of this variant in disease. Therefore, it has been classified as a Variant of Uncertain Significance.

NM_002890.3(RASA1):c.76G>T (p.Gly26Cys)

Gene: RASA1 (RAS p21 protein activator 1; plus strand). Cytogenetic location: 5q14.3.
Variant type: single nucleotide variant.
Coding change: c.76G>T on transcript NM_002890.3 (MANE Select); coding-DNA position 76, G replaced by T.
Protein change: p.Gly26Cys; replaces glycine 26 with cysteine.
Molecular consequence: missense variant.
Genome position (GRCh38, 1-based): chr5:87,268,527, G>T. VCF-style: chr5-87268527-G-T. GRCh37 (hg19) VCF-style: chr5-86564344-G-T.
Other names: short protein forms G26C.
Identifiers: ClinVar variation 3687330 (VCV003687330.2).
Genomic context (GRCh38, chr5:87,268,527, plus strand): 5'-GCCGGCAGTGAGGAGGGCGGCCCGGTAACAGCCGGAGCTGGAGGAGGCGGCGCGGCAGCG[G>T]GCTCCAGTGCCTATCCCGCAGTGTGTCGGGTGAAGATACCCGCGGCCCTGCCTGTGGCAG-3'
Protein context (NP_002881.1, residues 16-36): AGAGGGGAAA[Gly26Cys]SSAYPAVCRV